The following is an entry in ClinVar:

ClinVar aggregate classification (germline): Benign (1 of 4 stars; one submission).

Allele frequency attached by ClinVar (database versions not stated): gnomAD 0.11398 and 0.11919; TOPMed 0.12662; 1000 Genomes Project 0.14477; 1000 Genomes Project 30x 0.14928.

Submission:

GeneDx
Classification: Benign. Last evaluated: 2018-06-14. Review status: criteria provided, single submitter. Criteria: GeneDx Variant Classification (06012015). Collection method: clinical testing. Allele origin: germline. Affected: yes.
Comment: This variant is considered likely benign or benign based on one or more of the following criteria: it is a conservative change, it occurs at a poorly conserved position in the protein, it is predicted to be benign by multiple in silico algorithms, and/or has population frequency not consistent with disease.

NM_000090.4(COL3A1):c.447+190T>C

Gene: COL3A1 (collagen type III alpha 1 chain; plus strand). Cytogenetic location: 2q32.2.
Variant type: single nucleotide variant.
Coding change: c.447+190T>C on transcript NM_000090.4 (MANE Select); 190 bases into the intron after coding-DNA position 447, T replaced by C.
Molecular consequence: intron variant.
Genome position (GRCh38, 1-based): chr2:188,985,968, T>C. VCF-style: chr2-188985968-T-C. GRCh37 (hg19) VCF-style: chr2-189850694-T-C.
Identifiers: ClinVar variation 675243 (VCV000675243.1), dbSNP rs10497695, ClinGen allele CA62586386.